The following is an entry in ClinVar:

ClinVar aggregate classification (germline): Uncertain significance (1 of 4 stars; one submission).

Conditions:
Adams-Oliver syndrome 5 (AOS5). Identifiers: Orphanet 974, MedGen C4014970, MONDO:0014459, OMIM 616028.

Allele frequency attached by ClinVar (database versions not stated): TOPMed below 0.00001; gnomAD exomes 0.00001; ExAC 0.00003.

Submission:

Labcorp Genetics (formerly Invitae), Labcorp
Classification: Uncertain significance for Adams-Oliver syndrome 5. Last evaluated: 2025-07-24. Review status: criteria provided, single submitter. Criteria: Invitae Variant Classification Sherloc (09022015). Collection method: clinical testing. Allele origin: germline.
Comment: This sequence change falls in intron 28 of the NOTCH1 gene. It does not directly change the encoded amino acid sequence of the NOTCH1 protein. It affects a nucleotide within the consensus splice site. The frequency data for this variant in the population databases is considered unreliable, as metrics indicate poor data quality at this position in the gnomAD database. This variant has not been reported in the literature in individuals affected with NOTCH1-related conditions. ClinVar contains an entry for this variant (Variation ID: 654905). Variants that disrupt the consensus splice site are a relatively common cause of aberrant splicing (PMID: 17576681, 9536098). Algorithms developed to predict the effect of sequence changes on RNA splicing suggest that this variant is not likely to affect RNA splicing. In summary, the available evidence is currently insufficient to determine the role of this variant in disease. Therefore, it has been classified as a Variant of Uncertain Significance.

Literature cited by the submitters: PubMed 17576681; PubMed 9536098.

NM_017617.5(NOTCH1):c.5384+6C>T

Gene: NOTCH1 (notch receptor 1; minus strand). Cytogenetic location: 9q34.3.
Variant type: single nucleotide variant.
Coding change: c.5384+6C>T on transcript NM_017617.5 (MANE Select); 6 bases into the intron after coding-DNA position 5384, C replaced by T.
Molecular consequence: intron variant.
Genome position (GRCh38, 1-based): chr9:136,502,266, G>A on the plus strand (C>T on the coding strand, the complement: NOTCH1 is on the minus strand). VCF-style: chr9-136502266-G-A. GRCh37 (hg19) VCF-style: chr9-139396718-G-A.
Other names: c.5384+6C>T (LRG_1122t1).
Identifiers: ClinVar variation 654905 (VCV000654905.8), dbSNP rs747363366, ClinGen allele CA5340324.